The following is an entry in ClinVar:

NM_032539.5(SLITRK2):c.2077G>A (p.Gly693Ser)

Gene: SLITRK2 (SLIT and NTRK like family member 2; plus strand). Cytogenetic location: Xq27.3.
Variant type: single nucleotide variant.
Coding change: c.2077G>A on transcript NM_032539.5 (MANE Select); coding-DNA position 2077, G replaced by A.
Protein change: p.Gly693Ser; replaces glycine 693 with serine.
Molecular consequence: missense variant.
Genome position (GRCh38, 1-based): chrX:145,824,502, G>A. VCF-style: chrX-145824502-G-A. GRCh37 (hg19) VCF-style: chrX-144906020-G-A.
Other names: c.2077G>A, p.Gly693Ser (NM_001144003.3, NM_001144004.3, NM_001144005.3 and 4 more transcripts); short protein forms G693S.
Identifiers: ClinVar variation 4535116 (VCV004535116.6).

ClinVar aggregate classification (germline): Uncertain significance (1 of 4 stars; one submission).

Submission:

CeGaT Center for Human Genetics Tuebingen
Classification: Uncertain significance. Last evaluated: 2025-10-01. Review status: criteria provided, single submitter. Criteria: CeGaT Center For Human Genetics Tuebingen Variant Classification Criteria Version 2. Collection method: clinical testing. Allele origin: germline. Affected: yes. Observed: 1 variant allele.
Comment: SLITRK2: PM2